The following is an entry in ClinVar:

NM_206933.4(USH2A):c.14527A>G (p.Arg4843Gly)

Gene: USH2A (usherin; minus strand). Cytogenetic location: 1q41.
Variant type: single nucleotide variant.
Coding change: c.14527A>G on transcript NM_206933.4 (MANE Select); coding-DNA position 14527, A replaced by G.
Protein change: p.Arg4843Gly; replaces arginine 4843 with glycine.
Molecular consequence: missense variant.
Genome position (GRCh38, 1-based): chr1:215,648,583, T>C on the plus strand (A>G on the coding strand, the complement: USH2A is on the minus strand). VCF-style: chr1-215648583-T-C. GRCh37 (hg19) VCF-style: chr1-215821925-T-C.
Other names: short protein forms R4843G.
Identifiers: ClinVar variation 2202935 (VCV002202935.2), dbSNP rs910691220, ClinGen allele CA37390192.

ClinVar aggregate classification (germline): Uncertain significance (1 of 4 stars; one submission).

Allele frequency attached by ClinVar (database versions not stated): gnomAD exomes below 0.00001; TOPMed below 0.00001; gnomAD 0.00001.
gnomAD v4.1: 7 of 1,614,098 alleles (0.00043%); highest among the groups gnomAD compares: Admixed American, 0.005%; no homozygotes.

Submission:

Labcorp Genetics (formerly Invitae), Labcorp
Classification: Uncertain significance. Last evaluated: 2023-12-18. Review status: criteria provided, single submitter. Criteria: Invitae Variant Classification Sherloc (09022015). Collection method: clinical testing. Allele origin: germline.
Comment: This sequence change replaces arginine, which is basic and polar, with glycine, which is neutral and non-polar, at codon 4843 of the USH2A protein (p.Arg4843Gly). This variant is present in population databases (no rsID available, gnomAD 0.009%). This missense change has been observed in individual(s) with Usher syndrome (PMID: 29142287). ClinVar contains an entry for this variant (Variation ID: 2202935). Advanced modeling of protein sequence and biophysical properties (such as structural, functional, and spatial information, amino acid conservation, physicochemical variation, residue mobility, and thermodynamic stability) performed at Invitae indicates that this missense variant is not expected to disrupt USH2A protein function with a negative predictive value of 95%. In summary, the available evidence is currently insufficient to determine the role of this variant in disease. Therefore, it has been classified as a Variant of Uncertain Significance.

Literature cited by the submitters: PubMed 29142287.